The following is an entry in ClinVar:

NM_181882.3(PRX):c.2801C>T (p.Pro934Leu)

Gene: PRX (periaxin; minus strand). Cytogenetic location: 19q13.2.
Variant type: single nucleotide variant.
Coding change: c.2801C>T on transcript NM_181882.3 (MANE Select); coding-DNA position 2801, C replaced by T.
Protein change: p.Pro934Leu; replaces proline 934 with leucine.
Molecular consequence: missense variant. On other transcripts: 3 prime UTR variant (1).
Genome position (GRCh38, 1-based): chr19:40,395,551, G>A on the plus strand (C>T on the coding strand, the complement: PRX is on the minus strand). VCF-style: chr19-40395551-G-A. GRCh37 (hg19) VCF-style: chr19-40901458-G-A.
Other names: c.3086C>T, p.Pro1029Leu (NM_001411127.1); c.*3006C>T (NM_020956.2); short protein forms P1029L, P934L.
Identifiers: ClinVar variation 2177583 (VCV002177583.1), dbSNP rs1568704942, ClinGen allele CA405895551.

ClinVar aggregate classification (germline): Uncertain significance (1 of 4 stars; one submission).

Conditions:
Charcot-Marie-Tooth disease type 4. Also called: Charcot-Marie-Tooth, Type 4; Charcot-Marie-Tooth disease, type IV. Identifiers: Orphanet 64749, MedGen C4082197, MONDO:0018995.

Allele frequency attached by ClinVar (database versions not stated): gnomAD exomes below 0.00001; TOPMed below 0.00001; gnomAD 0.00001.
gnomAD v4.1: 3 of 1,614,054 alleles (0.00019%); highest among the groups gnomAD compares: Admixed American, 0.0017%; no homozygotes.

Submission:

Labcorp Genetics (formerly Invitae), Labcorp
Classification: Uncertain significance for Charcot-Marie-Tooth disease type 4. Last evaluated: 2022-04-15. Review status: criteria provided, single submitter. Criteria: Invitae Variant Classification Sherloc (09022015). Collection method: clinical testing. Allele origin: germline.
Comment: This sequence change replaces proline, which is neutral and non-polar, with leucine, which is neutral and non-polar, at codon 934 of the PRX protein (p.Pro934Leu). This variant is not present in population databases (gnomAD no frequency). This variant has not been reported in the literature in individuals affected with PRX-related conditions. Algorithms developed to predict the effect of missense changes on protein structure and function are either unavailable or do not agree on the potential impact of this missense change (SIFT: "Tolerated"; PolyPhen-2: "Possibly Damaging"; Align-GVGD: "Class C0"). In summary, the available evidence is currently insufficient to determine the role of this variant in disease. Therefore, it has been classified as a Variant of Uncertain Significance.